The following is an entry in ClinVar:

ClinVar aggregate classification (germline): Benign. Review status: criteria provided, multiple submitters, no conflicts (2 of 4 stars). 4 submissions from 4 submitters: Benign (4). Last evaluated 2026-02-04.

Conditions:
Kindler syndrome (KNDLRS). Also called: BULLOUS ACROKERATOTIC POIKILODERMA OF KINDLER AND WEARY; POIKILODERMA, CONGENITAL, WITH BULLAE, WEARY TYPE; POIKILODERMA, HEREDITARY ACROKERATOTIC; Hereditary acrokeratotic poikiloderma of Weary; Poikiloderma of Kindler; Congenital bullous poikiloderma. Identifiers: Orphanet 2908, Orphanet 306539, MedGen C0406557, MONDO:0008260, OMIM 173650.

Allele frequency attached by ClinVar (database versions not stated): 1000 Genomes Project 0.08307; ExAC 0.08318; gnomAD exomes 0.08319; 1000 Genomes Project 30x 0.08495; TOPMed 0.09706; gnomAD 0.09723 and 0.09972; ESP Exome Variant Server 0.10403.

Submissions (4):

Labcorp Genetics (formerly Invitae), Labcorp
Classification: Benign. Last evaluated: 2026-02-04. Review status: criteria provided, single submitter. Criteria: Invitae Variant Classification Sherloc (09022015). Collection method: clinical testing. Allele origin: germline.

Mayo Clinic Laboratories, Mayo Clinic
Classification: Benign. Last evaluated: 2022-09-06. Review status: criteria provided, single submitter. Criteria: ACMG Guidelines, 2015. Collection method: clinical testing. Allele origin: germline. Observed: 32 variant alleles.

Illumina Laboratory Services, Illumina
Classification: Benign for Kindler syndrome. Last evaluated: 2018-01-13. Review status: criteria provided, single submitter. Criteria: ICSL Variant Classification Criteria 13 December 2019. Collection method: clinical testing. Allele origin: germline.
Comment: This variant was observed in the ICSL laboratory as part of a predisposition screen in an ostensibly healthy population. It had not been previously curated by ICSL or reported in the Human Gene Mutation Database (HGMD: prior to June 1st, 2018), and was therefore a candidate for classification through an automated scoring system. Utilizing variant allele frequency, disease prevalence and penetrance estimates, and inheritance mode, an automated score was calculated to assess if this variant is too frequent to cause the disease. Based on the score and internal cut-off values, a variant classified as benign is not then subjected to further curation. The score for this variant resulted in a classification of benign for this disease.

Breakthrough Genomics
Classification: Benign. Review status: criteria provided, single submitter. Criteria: ACMG Guidelines, 2015. Collection method: not provided. Allele origin: germline. Inheritance: Autosomal recessive inheritance. Affected: yes.

NM_017671.5(FERMT1):c.479T>C (p.Ile160Thr)

Gene: FERMT1 (FERM domain containing kindlin 1; minus strand). Cytogenetic location: 20p12.3.
Variant type: single nucleotide variant.
Coding change: c.479T>C on transcript NM_017671.5 (MANE Select); coding-DNA position 479, T replaced by C.
Protein change: p.Ile160Thr; replaces isoleucine 160 with threonine.
Molecular consequence: missense variant.
Genome position (GRCh38, 1-based): chr20:6,112,530, A>G on the plus strand (T>C on the coding strand, the complement: FERMT1 is on the minus strand). VCF-style: chr20-6112530-A-G. GRCh37 (hg19) VCF-style: chr20-6093177-A-G.
Other names: short protein forms I160T.
Identifiers: ClinVar variation 339230 (VCV000339230.15), dbSNP rs16991866, ClinGen allele CA9758456.